The following is an entry in ClinVar:

ClinVar aggregate classification (germline): Benign (0 of 4 stars; one submission).

Conditions:
PDZD2-related disorder. Also called: PDZD2-related condition.

Allele frequency attached by ClinVar (database versions not stated): TOPMed 0.01497; ESP Exome Variant Server 0.01515; gnomAD exomes 0.00130; ExAC 0.00388; 1000 Genomes Project 30x 0.00999; 1000 Genomes Project 0.01058; gnomAD 0.01290.
gnomAD v4.1: 3,929 of 1,614,008 alleles (0.24%); highest among the groups gnomAD compares: African/African-American, 4.5%; 87 homozygotes.

Submission:

PreventionGenetics, part of Exact Sciences
Classification: Benign for PDZD2-related condition. Last evaluated: 2019-02-19. Review status: no assertion criteria provided. Collection method: clinical testing. Allele origin: germline.
Comment: This variant is classified as benign based on ACMG/AMP sequence variant interpretation guidelines (Richards et al. 2015 PMID: 25741868, with internal and published modifications).

NM_178140.4(PDZD2):c.7203C>T (p.Ser2401=)

Gene: PDZD2 (PDZ domain containing 2; plus strand). Cytogenetic location: 5p13.3.
Variant type: single nucleotide variant.
Coding change: c.7203C>T on transcript NM_178140.4 (MANE Select); coding-DNA position 7203, C replaced by T.
Protein change: p.Ser2401=; no amino-acid change (serine 2401 retained).
Molecular consequence: synonymous variant.
Genome position (GRCh38, 1-based): chr5:32,090,651, C>T. VCF-style: chr5-32090651-C-T. GRCh37 (hg19) VCF-style: chr5-32090757-C-T.
Identifiers: ClinVar variation 3037128 (VCV003037128.2), dbSNP rs61743513, ClinGen allele CA3220279.